The following is an entry in ClinVar:

NM_153704.6(TMEM67):c.995T>G (p.Phe332Cys)

Gene: TMEM67 (transmembrane protein 67; plus strand). Cytogenetic location: 8q22.1.
Variant type: single nucleotide variant.
Coding change: c.995T>G on transcript NM_153704.6 (MANE Select); coding-DNA position 995, T replaced by G.
Protein change: p.Phe332Cys; replaces phenylalanine 332 with cysteine.
Molecular consequence: missense variant. On other transcripts: non-coding transcript variant (1).
Genome position (GRCh38, 1-based): chr8:93,781,674, T>G. VCF-style: chr8-93781674-T-G. GRCh37 (hg19) VCF-style: chr8-94793902-T-G.
Other names: c.752T>G, p.Phe251Cys (NM_001142301.1); short protein forms F251C, F332C.
Identifiers: ClinVar variation 1474262 (VCV001474262.6), dbSNP rs2130668557, ClinGen allele CA371688866.

ClinVar aggregate classification (germline): Uncertain significance (1 of 4 stars; one submission).

Conditions:
Meckel-Gruber syndrome. Also called: DYSENCEPHALIA SPLANCHNOCYSTICA; GRUBER SYNDROME; Dysencephalia splachnocystica. Identifiers: Orphanet 564, MedGen C0265215, MONDO:0018921.
Joubert syndrome. Also called: CEREBELLOPARENCHYMAL DISORDER IV; JOUBERT-BOLTSHAUSER SYNDROME; Familial aplasia of the vermis. Identifiers: Orphanet 475, MedGen C5979921, MONDO:0018772.

Submission:

Labcorp Genetics (formerly Invitae), Labcorp
Classification: Uncertain significance for Joubert syndrome; Meckel-Gruber syndrome. Last evaluated: 2024-08-12. Review status: criteria provided, single submitter. Criteria: Invitae Variant Classification Sherloc (09022015). Collection method: clinical testing. Allele origin: germline.
Comment: This sequence change replaces phenylalanine, which is neutral and non-polar, with cysteine, which is neutral and slightly polar, at codon 332 of the TMEM67 protein (p.Phe332Cys). This variant is not present in population databases (gnomAD no frequency). This variant has not been reported in the literature in individuals affected with TMEM67-related conditions. ClinVar contains an entry for this variant (Variation ID: 1474262). Advanced modeling of protein sequence and biophysical properties (such as structural, functional, and spatial information, amino acid conservation, physicochemical variation, residue mobility, and thermodynamic stability) performed at Invitae indicates that this missense variant is expected to disrupt TMEM67 protein function with a positive predictive value of 95%. In summary, the available evidence is currently insufficient to determine the role of this variant in disease. Therefore, it has been classified as a Variant of Uncertain Significance.